The following is an entry in ClinVar:

NM_015693.4(INTU):c.931T>C (p.Tyr311His)

Gene: INTU (inturned planar cell polarity protein; plus strand). Cytogenetic location: 4q28.1.
Variant type: single nucleotide variant.
Coding change: c.931T>C on transcript NM_015693.4 (MANE Select); coding-DNA position 931, T replaced by C.
Protein change: p.Tyr311His; replaces tyrosine 311 with histidine.
Molecular consequence: missense variant.
Genome position (GRCh38, 1-based): chr4:127,663,543, T>C. VCF-style: chr4-127663543-T-C. GRCh37 (hg19) VCF-style: chr4-128584698-T-C.
Other names: short protein forms Y311H.
Identifiers: ClinVar variation 2999081 (VCV002999081.3), dbSNP rs2530934070, ClinGen allele CA358139961.

ClinVar aggregate classification (germline): Uncertain significance (1 of 4 stars; one submission).

Submission:

Labcorp Genetics (formerly Invitae), Labcorp
Classification: Uncertain significance. Last evaluated: 2023-11-20. Review status: criteria provided, single submitter. Criteria: Invitae Variant Classification Sherloc (09022015). Collection method: clinical testing. Allele origin: germline.
Comment: This sequence change replaces tyrosine, which is neutral and polar, with histidine, which is basic and polar, at codon 311 of the INTU protein (p.Tyr311His). This variant is not present in population databases (gnomAD no frequency). This variant has not been reported in the literature in individuals affected with INTU-related conditions. Advanced modeling of protein sequence and biophysical properties (such as structural, functional, and spatial information, amino acid conservation, physicochemical variation, residue mobility, and thermodynamic stability) performed at Invitae indicates that this missense variant is expected to disrupt INTU protein function with a positive predictive value of 80%. In summary, the available evidence is currently insufficient to determine the role of this variant in disease. Therefore, it has been classified as a Variant of Uncertain Significance.